The following is an entry in ClinVar:

NM_014363.6(SACS):c.238_239insA (p.Ser80fs)

Gene: SACS (sacsin molecular chaperone; minus strand). Cytogenetic location: 13q12.12.
Variant type: Insertion.
Coding change: c.238_239insA on transcript NM_014363.6 (MANE Select); coding-DNA positions 238 to 239, A inserted.
Protein change: p.Ser80fs; shifts the reading frame from serine 80.
Molecular consequence: frameshift variant. On other transcripts: intron variant (1).
Genome position: GRCh38 VCF-style: chr13-23371098-G-GT. GRCh37 (hg19) VCF-style: chr13-23945237-G-GT.
Other names: c.-182-2612_-182-2611insA (NM_001278055.2); short protein forms S80fs.
Identifiers: ClinVar variation 3242488 (VCV003242488.1).
Genomic context (GRCh38, chr13:23,371,098, plus strand): 5'-CCCAACATGGTATATACTTCTGGTAAAGTCAATATTATACCTCCCCCTTTTAAGCCTTTT[G>GT]ATTGAAGGTTTACAAAAAGATGACAATTTTTGGAAGTCAGATCTCCAATCTTGATCCAGT-3'

ClinVar aggregate classification (germline): Likely pathogenic (1 of 4 stars; one submission).

Conditions:
Charlevoix-Saguenay spastic ataxia (SACS). Also called: AUTOSOMAL RECESSIVE SPASTIC ATAXIA OF CHARLEVOIX-SAGUENAY; Spastic ataxia of Charlevoix-Saguenay; SPASTIC ATAXIA 6, AUTOSOMAL RECESSIVE. Identifiers: Orphanet 98, MedGen C1849140, MONDO:0010041, OMIM 270550.

Submission:

PROSPAX: an integrated multimodal progression  chart in spastic ataxias, Center for Neurology; Hertie-Institute for Clinical Brain Research
Classification: Likely pathogenic for Charlevoix-Saguenay spastic ataxia. Last evaluated: 2022-01-01. Review status: criteria provided, single submitter. Criteria: ACMG Guidelines, 2015. Collection method: research. Allele origin: germline. Affected: yes.
Comment: Variant seen in compound het: [c.5836T>C;c.238_239insA],[c.8844delT;c.238_239insA]